The following is an entry in ClinVar:

ClinVar aggregate classification (germline): Uncertain significance (1 of 4 stars; one submission).

gnomAD v4.1: 2 of 1,613,424 alleles (0.00012%); highest among the groups gnomAD compares: Admixed American, 0.0017%; no homozygotes.

Submission:

Labcorp Genetics (formerly Invitae), Labcorp
Classification: Uncertain significance. Last evaluated: 2025-09-04. Review status: criteria provided, single submitter. Criteria: Invitae Variant Classification Sherloc (09022015). Collection method: clinical testing. Allele origin: germline.
Comment: This sequence change replaces serine, which is neutral and polar, with asparagine, which is neutral and polar, at codon 698 of the USP7 protein (p.Ser698Asn). This variant is not present in population databases (gnomAD no frequency). This variant has not been reported in the literature in individuals affected with USP7-related conditions. An algorithm developed to predict the effect of missense changes on protein structure and function (PolyPhen-2) suggests that this variant is likely to be tolerated. In summary, the available evidence is currently insufficient to determine the role of this variant in disease. Therefore, it has been classified as a Variant of Uncertain Significance.

NM_003470.3(USP7):c.2093G>A (p.Ser698Asn)

Gene: USP7 (ubiquitin specific peptidase 7; minus strand). Cytogenetic location: 16p13.2.
Variant type: single nucleotide variant.
Coding change: c.2093G>A on transcript NM_003470.3 (MANE Select); coding-DNA position 2093, G replaced by A.
Protein change: p.Ser698Asn; replaces serine 698 with asparagine.
Molecular consequence: missense variant. On other transcripts: non-coding transcript variant (1).
Genome position (GRCh38, 1-based): chr16:8,901,189, C>T on the plus strand (G>A on the coding strand, the complement: USP7 is on the minus strand). VCF-style: chr16-8901189-C-T. GRCh37 (hg19) VCF-style: chr16-8995046-C-T.
Other names: c.2045G>A, p.Ser682Asn (NM_001286457.2); c.1796G>A, p.Ser599Asn (NM_001286458.2); c.1919G>A, p.Ser640Asn (NM_001321858.2); short protein forms S599N, S698N, S640N, S682N.
Identifiers: ClinVar variation 4781094 (VCV004781094.1).